The following is an entry in ClinVar:

ClinVar aggregate classification (germline): Benign. Review status: criteria provided, multiple submitters, no conflicts (2 of 4 stars). 10 submissions from 9 submitters: Benign (8). 2 of the submissions do not count toward it. Last evaluated 2026-02-03.

Conditions:
Connective tissue disorder. Also called: Connective tissue disease. Identifiers: MedGen C0009782, MONDO:0003900.
Lethal Kniest-like syndrome (DDSH). Also called: Dyssegmental Dysplasia. Identifiers: Orphanet 1865, MedGen C1857100, MONDO:0009140, OMIM 224410.
Schwartz-Jampel syndrome. Also called: Myotonic myopathy dwarfism chondrodystrophy and ocular and facial abnormalities. Identifiers: Orphanet 800, MedGen C0036391, MONDO:0009717.

Allele frequency attached by ClinVar (database versions not stated): 1000 Genomes Project 0.00619; 1000 Genomes Project 30x 0.00625; gnomAD exomes 0.01268 and 0.01934; ExAC 0.01305; gnomAD 0.01307 and 0.01322; TOPMed 0.01316; ESP Exome Variant Server 0.01453.
gnomAD v4.1: 30,113 of 1,614,020 alleles (1.9%); highest among the groups gnomAD compares: Non-Finnish European, 2.3%; 345 homozygotes.

Submissions (10):

Labcorp Genetics (formerly Invitae), Labcorp
Classification: Benign. Last evaluated: 2026-02-03. Review status: criteria provided, single submitter. Criteria: Invitae Variant Classification Sherloc (09022015). Collection method: clinical testing. Allele origin: germline.

ARUP Laboratories, Molecular Genetics and Genomics, ARUP Laboratories
Classification: Benign. Last evaluated: 2025-05-15. Review status: criteria provided, single submitter. Criteria: ARUP Molecular Germline Variant Investigation Process 2024. Collection method: clinical testing. Allele origin: germline.

Genome Diagnostics Laboratory, The Hospital for Sick Children
Classification: Benign for Connective tissue disorder. Last evaluated: 2022-01-25. Review status: criteria provided, single submitter. Criteria: ACMG Guidelines, 2015. Collection method: clinical testing. Allele origin: germline.

GeneDx
Classification: Benign. Last evaluated: 2020-10-07. Review status: criteria provided, single submitter. Criteria: GeneDx Variant Classification Process June 2021. Collection method: clinical testing. Allele origin: germline. Affected: yes.

Athena Diagnostics
Classification: Benign. Last evaluated: 2019-06-28. Review status: criteria provided, single submitter. Criteria: Athena Diagnostics Criteria. Collection method: clinical testing. Allele origin: germline.

Illumina Laboratory Services, Illumina
Classification: Benign for Schwartz-Jampel syndrome type 1. Last evaluated: 2018-01-12. Review status: criteria provided, single submitter. Criteria: ICSL Variant Classification Criteria 13 December 2019. Collection method: clinical testing. Allele origin: germline.
Comment: This variant was observed in the ICSL laboratory as part of a predisposition screen in an ostensibly healthy population. It had not been previously curated by ICSL or reported in the Human Gene Mutation Database (HGMD: prior to June 1st, 2018), and was therefore a candidate for classification through an automated scoring system. Utilizing variant allele frequency, disease prevalence and penetrance estimates, and inheritance mode, an automated score was calculated to assess if this variant is too frequent to cause the disease. Based on the score and internal cut-off values, a variant classified as benign is not then subjected to further curation. The score for this variant resulted in a classification of benign for this disease.

Illumina Laboratory Services, Illumina
Classification: Benign for Lethal Kniest-like syndrome. Last evaluated: 2018-01-12. Review status: criteria provided, single submitter. Criteria: ICSL Variant Classification Criteria 13 December 2019. Collection method: clinical testing. Allele origin: germline.
Comment: the same text as in the submission from Illumina Laboratory Services, Illumina above.

Breakthrough Genomics
Classification: Benign. Review status: criteria provided, single submitter. Criteria: ACMG Guidelines, 2015. Collection method: not provided. Allele origin: germline. Inheritance: Autosomal recessive inheritance. Affected: yes.

Genome Diagnostics Laboratory, University Medical Center Utrecht
Classification: Benign. Review status: no assertion criteria provided. Collection method: clinical testing. Allele origin: germline. Affected: yes. Study: VKGL Data-share Consensus. Not counted in ClinVar's aggregate classification.

Laboratory of Diagnostic Genome Analysis, Leiden University Medical Center (LUMC)
Classification: Likely benign. Review status: no assertion criteria provided. Collection method: clinical testing. Allele origin: germline. Affected: yes. Study: VKGL Data-share Consensus. Not counted in ClinVar's aggregate classification.

Literature cited by the submitters: PubMed 25504735 (cited by Athena Diagnostics).

NM_005529.7(HSPG2):c.8848G>A (p.Gly2950Arg)

Gene: HSPG2 (heparan sulfate proteoglycan 2; minus strand). Cytogenetic location: 1p36.12.
Variant type: single nucleotide variant.
Coding change: c.8848G>A on transcript NM_005529.7 (MANE Select); coding-DNA position 8848, G replaced by A.
Protein change: p.Gly2950Arg; replaces glycine 2950 with arginine.
Molecular consequence: missense variant.
Genome position (GRCh38, 1-based): chr1:21,842,832, C>T on the plus strand (G>A on the coding strand, the complement: HSPG2 is on the minus strand). VCF-style: chr1-21842832-C-T. GRCh37 (hg19) VCF-style: chr1-22169325-C-T.
Other names: c.8851G>A, p.Gly2951Arg (NM_001291860.2); short protein forms G2950R, G2951R.
Identifiers: ClinVar variation 295768 (VCV000295768.31), dbSNP rs41266007, ClinGen allele CA670640.